The following is an entry in ClinVar:

ClinVar aggregate classification (germline): Uncertain significance. Review status: criteria provided, multiple submitters, no conflicts (2 of 4 stars). 2 submissions from 2 submitters: Uncertain significance (2). Last evaluated 2025-06-01.

gnomAD v4.1: 16 of 1,603,942 alleles (0.001%); highest among the groups gnomAD compares: African/African-American, 0.019%; no homozygotes.

Submissions (2):

CeGaT Center for Human Genetics Tuebingen
Classification: Uncertain significance. Last evaluated: 2025-06-01. Review status: criteria provided, single submitter. Criteria: CeGaT Center For Human Genetics Tuebingen Variant Classification Criteria Version 2. Collection method: clinical testing. Allele origin: germline. Affected: yes. Observed: 1 variant allele.
Comment: MYO5A: PM2:Supporting

Labcorp Genetics (formerly Invitae), Labcorp
Classification: Uncertain significance. Last evaluated: 2024-08-21. Review status: criteria provided, single submitter. Criteria: Invitae Variant Classification Sherloc (09022015). Collection method: clinical testing. Allele origin: germline.
Comment: This sequence change replaces proline, which is neutral and non-polar, with histidine, which is basic and polar, at codon 351 of the MYO5A protein (p.Pro351His). This variant is present in population databases (rs373522085, gnomAD 0.01%). This variant has not been reported in the literature in individuals affected with MYO5A-related conditions. An algorithm developed to predict the effect of missense changes on protein structure and function (PolyPhen-2) suggests that this variant is likely to be disruptive. In summary, the available evidence is currently insufficient to determine the role of this variant in disease. Therefore, it has been classified as a Variant of Uncertain Significance.

NM_001382347.1(MYO5A):c.1052C>A (p.Pro351His)

Gene: MYO5A (myosin VA; minus strand). Cytogenetic location: 15q21.2.
Variant type: single nucleotide variant.
Coding change: c.1052C>A on transcript NM_001382347.1 (MANE Select); coding-DNA position 1052, C replaced by A.
Protein change: p.Pro351His; replaces proline 351 with histidine.
Molecular consequence: missense variant.
Genome position (GRCh38, 1-based): chr15:52,405,288, G>T on the plus strand (C>A on the coding strand, the complement: MYO5A is on the minus strand). VCF-style: chr15-52405288-G-T. GRCh37 (hg19) VCF-style: chr15-52697485-G-T.
Other names: c.1052C>A, p.Pro351His (NM_000259.3, NM_001142495.2, NM_001411135.1); c.1124C>A, p.Pro375His (NM_001382348.1, NM_001382349.1); short protein forms P351H, P375H.
Identifiers: ClinVar variation 3388467 (VCV003388467.16).
Genomic context (GRCh38, chr15:52,405,288, plus strand): 5'-ATCTACAAATCTAAAACATAATTCAACTGCCATCCCACTAAAGCTTATTCTGAACTTACA[G>T]GTATTGTGCAGCTGTCTGCATCTCGGGATGTAAATCCAACATTGCCTAAGTGAAGGATGC-3'
Protein context (NP_001369276.1, residues 341-361): TSRDADSCTI[Pro351His]PKHEPLCIFC